The following is an entry in ClinVar:

ClinVar aggregate classification (germline): Uncertain significance (1 of 4 stars; one submission).

Conditions:
Cortical dysplasia-focal epilepsy syndrome (PTHSL1). Also called: Pitt-Hopkins-like syndrome 1. Identifiers: Orphanet 163681, Orphanet 221150, MedGen C2750246, MONDO:0012400, OMIM 610042.

Submission:

Labcorp Genetics (formerly Invitae), Labcorp
Classification: Uncertain significance for Cortical dysplasia-focal epilepsy syndrome. Last evaluated: 2023-11-27. Review status: criteria provided, single submitter. Criteria: Invitae Variant Classification Sherloc (09022015). Collection method: clinical testing. Allele origin: germline.
Comment: This sequence change replaces aspartic acid, which is acidic and polar, with glutamic acid, which is acidic and polar, at codon 234 of the CNTNAP2 protein (p.Asp234Glu). This variant is not present in population databases (gnomAD no frequency). This variant has not been reported in the literature in individuals affected with CNTNAP2-related conditions. ClinVar contains an entry for this variant (Variation ID: 1476863). An algorithm developed to predict the effect of missense changes on protein structure and function (PolyPhen-2) suggests that this variant is likely to be disruptive. In summary, the available evidence is currently insufficient to determine the role of this variant in disease. Therefore, it has been classified as a Variant of Uncertain Significance.

NM_014141.6(CNTNAP2):c.702T>A (p.Asp234Glu)

Gene: CNTNAP2 (contactin associated protein 2; plus strand). Cytogenetic location: 7q35.
Variant type: single nucleotide variant.
Coding change: c.702T>A on transcript NM_014141.6 (MANE Select); coding-DNA position 702, T replaced by A.
Protein change: p.Asp234Glu; replaces aspartic acid 234 with glutamic acid.
Molecular consequence: missense variant.
Genome position (GRCh38, 1-based): chr7:147,108,298, T>A. VCF-style: chr7-147108298-T-A. GRCh37 (hg19) VCF-style: chr7-146805390-T-A.
Other names: short protein forms D234E.
Identifiers: ClinVar variation 1476863 (VCV001476863.6), dbSNP rs2129279570, ClinGen allele CA369923256.